The following is an entry in ClinVar:

ClinVar aggregate classification (germline): Uncertain significance (1 of 4 stars; one submission).

Conditions:
Epidermolysis bullosa simplex 3, localized or generalized intermediate, with BP230 deficiency (EBS3). Also called: Epidermolysis bullosa simplex due to BP230 deficiency; Epidermolysis bullosa simplex, autosomal recessive 2. Identifiers: Orphanet 412181, MedGen C3809470, MONDO:0014180, OMIM 615425.
Hereditary sensory and autonomic neuropathy type 6. Also called: Neuropathy, hereditary sensory and autonomic, type VI; HSAN VI. Identifiers: Orphanet 314381, MedGen C3539003, MONDO:0013839, OMIM 614653.

Allele frequency attached by ClinVar (database versions not stated): gnomAD 0.00001; gnomAD exomes 0.00001 and 0.00002; TOPMed 0.00002; ExAC 0.00003.
gnomAD v4.1: 27 of 1,599,216 alleles (0.0017%); highest among the groups gnomAD compares: Admixed American, 0.0052%; no homozygotes.

Submission:

Labcorp Genetics (formerly Invitae), Labcorp
Classification: Uncertain significance for Epidermolysis bullosa simplex 3, localized or generalized intermediate, with BP230 deficiency; Hereditary sensory and autonomic neuropathy type 6. Last evaluated: 2022-05-12. Review status: criteria provided, single submitter. Criteria: Invitae Variant Classification Sherloc (09022015). Collection method: clinical testing. Allele origin: germline.
Comment: The DST gene has multiple clinically relevant transcripts. This variant occurs in alternate transcript NM_015548.4, and corresponds to NM_001723.5:c.*36598T>C in the primary transcript. This sequence change replaces serine, which is neutral and polar, with proline, which is neutral and non-polar, at codon 1685 of the DST protein (p.Ser1685Pro). This variant is present in population databases (rs778220904, gnomAD 0.009%). This variant has not been reported in the literature in individuals affected with DST-related conditions. Experimental studies and prediction algorithms are not available or were not evaluated, and the functional significance of this variant is currently unknown. In summary, the available evidence is currently insufficient to determine the role of this variant in disease. Therefore, it has been classified as a Variant of Uncertain Significance.

NM_001374736.1(DST):c.12922T>C (p.Ser4308Pro)

Gene: DST (dystonin; minus strand). Cytogenetic location: 6p12.1.
Variant type: single nucleotide variant.
Coding change: c.12922T>C on transcript NM_001374736.1 (MANE Select); coding-DNA position 12922, T replaced by C.
Protein change: p.Ser4308Pro; replaces serine 4308 with proline.
Molecular consequence: missense variant.
Genome position (GRCh38, 1-based): chr6:56,578,919, A>G on the plus strand (T>C on the coding strand, the complement: DST is on the minus strand). VCF-style: chr6-56578919-A-G. GRCh37 (hg19) VCF-style: chr6-56443717-A-G.
Other names: c.6565T>C, p.Ser2189Pro (NM_001144769.5); c.6151T>C, p.Ser2051Pro (NM_001144770.2); c.12922T>C, p.Ser4308Pro (NM_001374722.1); c.12289T>C, p.Ser4097Pro (NM_001374729.1); c.6031T>C, p.Ser2011Pro (NM_001374730.1, NM_183380.4); c.12949T>C, p.Ser4317Pro (NM_001374734.1); c.5053T>C, p.Ser1685Pro (NM_015548.5); short protein forms S2011P, S2051P, S1685P, S2189P, S4308P, S4317P, S4097P.
Identifiers: ClinVar variation 972649 (VCV000972649.7), dbSNP rs778220904, ClinGen allele CA3868332.